The following is an entry in ClinVar:

ClinVar aggregate classification (germline): Likely pathogenic (1 of 4 stars; one submission).

Conditions:
Primary ciliary dyskinesia. Also called: Ciliary dyskinesia. Identifiers: Orphanet 244, MedGen C0008780, MONDO:0016575, HP:0012265.

Submission:

Natera, Inc.
Classification: Likely pathogenic for Primary ciliary dyskinesia. Last evaluated: 2024-03-27. Review status: criteria provided, single submitter. Criteria: Natera Variant Classification Schema (03/2026). Collection method: clinical testing. Allele origin: germline.
Comment: The c.8540T>A variant in DNAH5 is a nonsense variant predicted to introduce a stop codon at amino acid 2847. This variant is expected to result in nonsense mediated decay, truncation, or a dysfunctional protein product. This variant is rare in the general population with a frequency below the threshold expected for the associated phenotype(s). Given the available evidence, this variant is classified as Likely Pathogenic.

NM_001369.3(DNAH5):c.8540T>A (p.Leu2847Ter)

Gene: DNAH5 (dynein axonemal heavy chain 5; minus strand). Cytogenetic location: 5p15.2.
Variant type: single nucleotide variant.
Coding change: c.8540T>A on transcript NM_001369.3 (MANE Select); coding-DNA position 8540, T replaced by A.
Protein change: p.Leu2847Ter; replaces leucine 2847 with a stop codon.
Molecular consequence: nonsense.
Genome position (GRCh38, 1-based): chr5:13,788,823, A>T on the plus strand (T>A on the coding strand, the complement: DNAH5 is on the minus strand). VCF-style: chr5-13788823-A-T. GRCh37 (hg19) VCF-style: chr5-13788932-A-T.
Other names: short protein forms L2847*.
Identifiers: ClinVar variation 4814916 (VCV004814916.1).
Genomic context (GRCh38, chr5:13,788,823, plus strand): 5'-ATTCCACAATCCACCAAGAGTTTTTTCTCTTCACCAAACTCCTCCTCTACCAAACTTACT[A>T]AAGCCTTATCAAACCAGGTCACATCACTGGACACTGTGAAACGGTCAGCTATAACACGTT-3'